The following is an entry in ClinVar:

NM_172107.4(KCNQ2):c.827C>A (p.Thr276Asn)

Gene: KCNQ2 (potassium voltage-gated channel subfamily Q member 2; minus strand). Cytogenetic location: 20q13.33.
Variant type: single nucleotide variant.
Coding change: c.827C>A on transcript NM_172107.4 (MANE Select); coding-DNA position 827, C replaced by A.
Protein change: p.Thr276Asn; replaces threonine 276 with asparagine.
Molecular consequence: missense variant.
Genome position (GRCh38, 1-based): chr20:63,439,698, G>T on the plus strand (C>A on the coding strand, the complement: KCNQ2 is on the minus strand). VCF-style: chr20-63439698-G-T. GRCh37 (hg19) VCF-style: chr20-62071051-G-T.
Other names: c.827C>A, p.Thr276Asn (NM_001382235.1, NM_004518.6, NM_172106.3 and 2 more transcripts); short protein forms T276N.
Identifiers: ClinVar variation 941582 (VCV000941582.10), dbSNP rs1057516095, ClinGen allele CA409652747.
Genomic context (GRCh38, chr20:63,439,698, plus strand): 5'-GTTGCCGCAAGGAGCCTGCCGTTCCAGGTCTGGGGGTACTTGTCCCCGTAGCCAATGGTG[G>T]TCAGCGTGATCTGTGGGACCGCAGGCTCTAGTCACACGAAGGGCCTGCTCACACCCCTGA-3'
Protein context (NP_742105.1, residues 266-286): DALWWGLITL[Thr276Asn]TIGYGDKYPQ

ClinVar aggregate classification (germline): Pathogenic (1 of 4 stars; one submission).

Conditions:
Early-infantile DEE. Also called: Early infantile epileptic encephalopathy; Ohtahara syndrome; Early infantile epileptic encephalopathy with suppression bursts. Identifiers: Orphanet 1934, MedGen C0393706, MONDO:0800491.

Submission:

Labcorp Genetics (formerly Invitae), Labcorp
Classification: Pathogenic for Early-infantile DEE. Last evaluated: 2022-02-08. Review status: criteria provided, single submitter. Criteria: Invitae Variant Classification Sherloc (09022015). Collection method: clinical testing. Allele origin: germline.
Comment: This variant disrupts the p.Thr276 amino acid residue in KCNQ2. Other variant(s) that disrupt this residue have been determined to be pathogenic (PMID: 24463883). This suggests that this residue is clinically significant, and that variants that disrupt this residue are likely to be disease-causing. Advanced modeling of protein sequence and biophysical properties (such as structural, functional, and spatial information, amino acid conservation, physicochemical variation, residue mobility, and thermodynamic stability) performed at Invitae indicates that this missense variant is expected to disrupt KCNQ2 protein function. ClinVar contains an entry for this variant (Variation ID: 941582). This missense change has been observed in individual(s) with clinical features of KCNQ2-related conditions (Invitae). In at least one individual the variant was observed to be de novo. This variant is not present in population databases (gnomAD no frequency). This sequence change replaces threonine, which is neutral and polar, with asparagine, which is neutral and polar, at codon 276 of the KCNQ2 protein (p.Thr276Asn). For these reasons, this variant has been classified as Pathogenic.

Literature cited by the submitters: PubMed 24463883.